The following is an entry in ClinVar:

ClinVar aggregate classification (germline): Uncertain significance (1 of 4 stars; one submission).

Conditions:
Familial cold autoinflammatory syndrome 3 (FCAS3). Also called: FAMILIAL ATYPICAL COLD URTICARIA; ANTIBODY DEFICIENCY AND IMMUNE DYSREGULATION, PLCG2-ASSOCIATED. Identifiers: Orphanet 300359, MedGen C3280914, MONDO:0013766, OMIM 614468.

Allele frequency attached by ClinVar (database versions not stated): gnomAD exomes below 0.00001; ExAC 0.00001.
gnomAD v4.1: 2 of 1,612,038 alleles (0.00012%); highest among the groups gnomAD compares: Non-Finnish European, 0.00017%; no homozygotes.

Submission:

Labcorp Genetics (formerly Invitae), Labcorp
Classification: Uncertain significance for Familial cold autoinflammatory syndrome 3. Last evaluated: 2018-12-04. Review status: criteria provided, single submitter. Criteria: Invitae Variant Classification Sherloc (09022015). Collection method: clinical testing. Allele origin: germline.
Comment: Algorithms developed to predict the effect of missense changes on protein structure and function are either unavailable or do not agree on the potential impact of this missense change (SIFT: "Tolerated"; PolyPhen-2: "Possibly Damaging"; Align-GVGD: "Class C0"). In summary, the available evidence is currently insufficient to determine the role of this variant in disease. Therefore, it has been classified as a Variant of Uncertain Significance. This variant has not been reported in the literature in individuals with PLCG2-related conditions. This variant is present in population databases (rs763763571, ExAC 0.002%). This sequence change replaces alanine with aspartic acid at codon 1092 of the PLCG2 protein (p.Ala1092Asp). The alanine residue is moderately conserved and there is a moderate physicochemical difference between alanine and aspartic acid.

NM_002661.5(PLCG2):c.3275C>A (p.Ala1092Asp)

Gene: PLCG2 (phospholipase C gamma 2; plus strand). Cytogenetic location: 16q23.3.
Variant type: single nucleotide variant.
Coding change: c.3275C>A on transcript NM_002661.5 (MANE Select); coding-DNA position 3275, C replaced by A.
Protein change: p.Ala1092Asp; replaces alanine 1092 with aspartic acid.
Molecular consequence: missense variant.
Genome position (GRCh38, 1-based): chr16:81,938,877, C>A. VCF-style: chr16-81938877-C-A. GRCh37 (hg19) VCF-style: chr16-81972482-C-A.
Other names: short protein forms A1092D.
Identifiers: ClinVar variation 656314 (VCV000656314.8), dbSNP rs763763571, ClinGen allele CA8194653.
Genomic context (GRCh38, chr16:81,938,877, plus strand): 5'-ATCTCCCCAAACTTGGACGAAGTATTGCCTGTCCCTTTGTAGAAGTGGAGATCTGTGGAG[C>A]CGAGTATGACAACAACAAGTTCAAGACGACGGTTGTGAGTAAGTCAGTCACCTTGGCCCC-3'
Protein context (NP_002652.2, residues 1082-1102): CPFVEVEICG[Ala1092Asp]EYDNNKFKTT